The following is an entry in ClinVar:

ClinVar aggregate classification (germline): Conflicting classifications of pathogenicity. Review status: criteria provided, conflicting classifications (1 of 4 stars). 3 submissions from 3 submitters: Uncertain significance (1); Likely benign (2). Last evaluated 2026-06-05.

Conditions:
SOX3-related disorder. Also called: SOX3-Related Disorders; SOX3-related condition.

Submissions (3):

Women's Health and Genetics/Laboratory Corporation of America, LabCorp
Classification: Likely benign. Last evaluated: 2026-06-05. Review status: criteria provided, single submitter. Criteria: LabCorp Variant Classification Summary - May 2015. Collection method: clinical testing. Allele origin: germline.
Comment: Variant summary: SOX3 c.732delinsCGCC (p.Ala248dup) results in an in-frame duplication that is predicted to duplicate 1 amino acid into the encoded protein. The variant allele was found at a frequency of 4e-05 in 1055367 control chromosomes. A total of 13 hemizygotes were observed in the gnomAD v4 database. To our knowledge, no occurrence of c.732delinsCGCC in individuals affected with SOX3-related conditions and no experimental evidence demonstrating its impact on protein function have been reported. ClinVar contains an entry for this variant (Variation ID: 193325). Based on the evidence outlined above, the variant was classified as likely benign.

PreventionGenetics, part of Exact Sciences
Classification: Uncertain significance for SOX3-related condition. Last evaluated: 2022-08-28. Review status: criteria provided, single submitter. Criteria: ACMG Guidelines, 2015. Collection method: clinical testing. Allele origin: germline.
Comment: The SOX3 c.732delinsCGCC variant is predicted to result in an in-frame deletion and insertion. To our knowledge, this variant has not been reported in the literature or in a large population database, indicating this variant is rare. An alternative variant resulting in the same duplication has been reported in 1 out of 74,592 allele in the population database. Alanine expansion in the PA tract has been reported in patients with growth hormone deficiency and hypopituitarism (Laumonnier et al. 2002. PubMed ID: 12428212; Woods et al. 2005. PubMed ID: 15800844; Blum et al. 2018. PubMed ID: 30266296). At this time, the clinical significance of this variant is uncertain due to the absence of conclusive functional and genetic evidence.

Eurofins Ntd Llc (ga)
Classification: Likely benign. Last evaluated: 2014-09-15. Review status: criteria provided, single submitter. Criteria: EGL Classification Definitions 2015. Collection method: clinical testing. Allele origin: germline. Observed: 5 variant alleles, 2 heterozygotes, 1 homozygote, 2 hemizygotes.

Literature cited by the submitters: PubMed 21289259 (cited by Eurofins Ntd Llc (ga)).

NM_005634.3(SOX3):c.732delinsCGCC (p.Ala248dup)

Gene: SOX3 (SRY-box transcription factor 3; minus strand). Cytogenetic location: Xq27.1.
Variant type: Indel.
Coding change: c.732delinsCGCC on transcript NM_005634.3 (MANE Select); coding-DNA position 732, A replaced by CGCC.
Protein change: p.Ala248dup; duplicates alanine 248.
Molecular consequence: inframe insertion.
Genome position (GRCh38, 1-based): chrX:140,504,329, T replaced by GGCG on the plus strand (A replaced by CGCC on the coding strand, the reverse complement: SOX3 is on the minus strand). VCF-style: chrX-140504329-T-GGCG. GRCh37 (hg19) VCF-style: chrX-139586494-T-GGCG.
Other names: c.732delinsCGCC (NM_005634.2).
Identifiers: ClinVar variation 193325 (VCV000193325.7), dbSNP rs794726924, ClinGen allele CA200499.